The following is an entry in ClinVar:

ClinVar aggregate classification (germline): Pathogenic. Review status: criteria provided, single submitter (1 of 4 stars). 3 submissions from 3 submitters: Pathogenic (1). 2 of the submissions do not count toward it. Last evaluated 2025-03-12.

Conditions:
Lactic acidosis. Identifiers: MedGen C0001125, MONDO:0006040, HP:0003128.
Global developmental delay (DD). Also called: Cognitive delay. Identifiers: MedGen C0557874, HP:0001263. Disease mechanism: loss of function.
Hypotonia. Also called: Muscular hypotonia; poor muscle tone. Identifiers: MedGen C0026827, HP:0001252.
Sensorineural hearing loss disorder. Also called: Sensorineural hearing impairment; Sensorineural Deafness; Sensorineural hearing loss. Identifiers: MedGen C0018784, MeSH D006319, MONDO:0020678, HP:0000407.
LEUKOENCEPHALOPATHY, PROGRESSIVE, INFANTILE-ONSET, WITH DEAFNESS.

Submissions (3):

Labcorp Genetics (formerly Invitae), Labcorp
Classification: Pathogenic. Last evaluated: 2025-03-12. Review status: criteria provided, single submitter. Criteria: Invitae Variant Classification Sherloc (09022015). Collection method: clinical testing. Allele origin: germline.
Comment: This sequence change creates a premature translational stop signal (p.Leu480Trpfs*3) in the KARS gene. It is expected to result in an absent or disrupted protein product. Loss-of-function variants in KARS are known to be pathogenic (PMID: 30252186, 33942428). This variant is present in population databases (no rsID available, gnomAD 0.0009%). This premature translational stop signal has been observed in individual(s) with KARS-related conditions (PMID: 30252186). ClinVar contains an entry for this variant (Variation ID: 560389). Algorithms developed to predict the effect of sequence changes on RNA splicing suggest that this variant may disrupt the consensus splice site. For these reasons, this variant has been classified as Pathogenic.

OMIM
Classification: Pathogenic for LEUKOENCEPHALOPATHY, PROGRESSIVE, INFANTILE-ONSET, WITH DEAFNESS. Last evaluated: 2021-03-01. Review status: no assertion criteria provided. Collection method: literature only. Allele origin: germline. Not counted in ClinVar's aggregate classification.

Genetics of Mitochondrial Diseases, Imagine Institute
Classification: Pathogenic for Sensorineural hearing loss disorder; Lactic acidosis; Global developmental delay; Hypotonia. Review status: no assertion criteria provided. Collection method: research. Allele origin: inherited. Inheritance: Autosomal recessive inheritance. Affected: yes. Observed: 1 compound heterozygote. Not counted in ClinVar's aggregate classification.
Comment: Identified together with variant RCV000210691.1 (NM_001130089.1:c.683C>T / r.(683c>u) /p.(Pro228Leu)).

Literature cited by the submitters: PubMed 30252186 (cited by Labcorp Genetics (formerly Invitae), Labcorp and OMIM); PubMed 33942428 (cited by Labcorp Genetics (formerly Invitae), Labcorp).

NM_005548.3(KARS1):c.1354del (p.Leu452fs)

Genes: KARS1 (lysyl-tRNA synthetase 1; minus strand), LOC126862402 (CDK7 strongly-dependent group 2 enhancer GRCh37_chr16:75663368-75664567; plus strand). Cytogenetic location: 16q23.1.
Variant type: Deletion.
Coding change: c.1354del on transcript NM_005548.3 (MANE Select); coding-DNA position 1354, one base deleted (C; older notation c.1354delC).
Protein change: p.Leu452fs; shifts the reading frame from leucine 452.
Molecular consequence: frameshift variant.
Genome position (GRCh38, 1-based): chr16:75,630,493, G deleted on the plus strand (C on the coding strand, the reverse complement: KARS1 is on the minus strand); the first of 2 consecutive G bases (chr16:75,630,493-75,630,494); deleting either gives the same sequence. VCF-style (leftmost placement, unchanged base first): chr16-75630492-AG-A. GRCh37 (hg19) VCF-style: chr16-75664390-AG-A.
Other names: c.1438delC (NM_001130089.1); c.1438del, p.Leu480fs (NM_001130089.2); c.886del, p.Leu296fs (NM_001378148.1); short protein forms L452fs, L480fs, L296fs.
Identifiers: ClinVar variation 560389 (VCV000560389.5), dbSNP rs1567498374, ClinGen allele CA623371166.